The following is an entry in ClinVar:

ClinVar aggregate classification (germline): Pathogenic. Review status: criteria provided, single submitter (1 of 4 stars). 2 submissions from 2 submitters: Pathogenic (1). 1 of the submissions does not count toward it. Last evaluated 2023-11-25.

Submissions (2):

Labcorp Genetics (formerly Invitae), Labcorp
Classification: Pathogenic. Last evaluated: 2023-11-25. Review status: criteria provided, single submitter. Criteria: Invitae Variant Classification Sherloc (09022015). Collection method: clinical testing. Allele origin: germline.
Comment: This sequence change replaces cysteine, which is neutral and slightly polar, with phenylalanine, which is neutral and non-polar, at codon 4341 of the USH2A protein (p.Cys4341Phe). This variant is not present in population databases (gnomAD no frequency). This missense change has been observed in individual(s) with Usher syndrome (PMID: 25425308). ClinVar contains an entry for this variant (Variation ID: 48411). Advanced modeling of protein sequence and biophysical properties (such as structural, functional, and spatial information, amino acid conservation, physicochemical variation, residue mobility, and thermodynamic stability) performed at Invitae indicates that this missense variant is expected to disrupt USH2A protein function with a positive predictive value of 95%. For these reasons, this variant has been classified as Pathogenic.

Laboratory for Molecular Medicine, Mass General Brigham Personalized Medicine
Classification: Uncertain significance. Last evaluated: 2012-05-29. Review status: flagged submission. Criteria: LMM Criteria. Collection method: clinical testing. Allele origin: germline. Observed: 1 variant allele. Not counted in ClinVar's aggregate classification.
Comment: The Cys4341Phe variant in USH2A has not been reported in the literature nor prev iously identified by our laboratory. Computational analyses (biochemical amino a cid properties, conservation, AlignGVGD, PolyPhen2, and SIFT) suggest that the C ys4341Phe variant may impact the protein, though this information is not predict ive enough to determine pathogenicity. In summary, the clinical significance of this variant cannot be determined with certainty.
ClinVar note: Reason: Older claim that does not account for recent evidence

Literature cited by the submitters: PubMed 25425308 (cited by Labcorp Genetics (formerly Invitae), Labcorp).

NM_206933.4(USH2A):c.13022G>T (p.Cys4341Phe)

Gene: USH2A (usherin; minus strand). Cytogenetic location: 1q41.
Variant type: single nucleotide variant.
Coding change: c.13022G>T on transcript NM_206933.4 (MANE Select); coding-DNA position 13022, G replaced by T.
Protein change: p.Cys4341Phe; replaces cysteine 4341 with phenylalanine.
Molecular consequence: missense variant.
Genome position (GRCh38, 1-based): chr1:215,674,889, C>A on the plus strand (G>T on the coding strand, the complement: USH2A is on the minus strand). VCF-style: chr1-215674889-C-A. GRCh37 (hg19) VCF-style: chr1-215848231-C-A.
Other names: short protein forms C4341F.
Identifiers: ClinVar variation 48411 (VCV000048411.8), dbSNP rs397517985, ClinGen allele CA143308.